The following is an entry in ClinVar:

ClinVar aggregate classification (germline): Benign. Review status: criteria provided, multiple submitters, no conflicts (2 of 4 stars). 9 submissions from 8 submitters: Benign (9). Last evaluated 2026-02-04.

Conditions:
Arthrogryposis multiplex congenita 6. Identifiers: MedGen C5543431, MONDO:0030281, OMIM 619334.
Nemaline myopathy 2 (NEM2). Also called: Nemaline myopathy 2, autosomal recessive. Identifiers: MedGen C1850569, MONDO:0009725, OMIM 256030.

Allele frequency attached by ClinVar (database versions not stated): ESP Exome Variant Server 0.24473; 1000 Genomes Project 30x 0.26234; 1000 Genomes Project 0.26398; gnomAD 0.26527; TOPMed 0.28019.
gnomAD v4.1: 410,740 of 1,566,422 alleles (26%); highest among the groups gnomAD compares: Admixed American, 39%; 55,679 homozygotes.

Submissions (9):

Labcorp Genetics (formerly Invitae), Labcorp
Classification: Benign for Nemaline myopathy 2. Last evaluated: 2026-02-04. Review status: criteria provided, single submitter. Criteria: Invitae Variant Classification Sherloc (09022015). Collection method: clinical testing. Allele origin: germline.

Blueprint Genetics
Classification: Benign. Last evaluated: 2024-11-26. Review status: criteria provided, single submitter. Criteria: ACMG Guidelines, 2015. Collection method: clinical testing. Allele origin: germline.

Genome-Nilou Lab
Classification: Benign for Arthrogryposis multiplex congenita 6. Last evaluated: 2021-07-10. Review status: criteria provided, single submitter. Criteria: ACMG Guidelines, 2015. Collection method: clinical testing. Allele origin: germline. Affected: no.

Genome-Nilou Lab
Classification: Benign for Nemaline myopathy 2. Last evaluated: 2021-07-10. Review status: criteria provided, single submitter. Criteria: ACMG Guidelines, 2015. Collection method: clinical testing. Allele origin: germline. Affected: no.

Women's Health and Genetics/Laboratory Corporation of America, LabCorp
Classification: Benign. Last evaluated: 2017-02-27. Review status: criteria provided, single submitter. Criteria: LabCorp Variant Classification Summary - May 2015. Collection method: clinical testing. Allele origin: germline.
Comment: Variant summary: The NEB c.16705-18C>T variant involves the alteration of a non-conserved intronic nucleotide. One in silico tool predicts a benign outcome for this variant. 5/5 splice prediction tools predict no significant impact on normal splicing. However, these predictions have yet to be confirmed by functional studies. This variant was found in 32194/119748 control chromosomes (4569 homozygotes) at a frequency of 0.2688479, which is approximately 76 times the estimated maximal expected allele frequency of a pathogenic NEB variant (0.0035355), evidence that this variant is a benign polymorphism. In addition, multiple clinical diagnostic laboratories/reputable databases classified this variant as benign. Taken together, this variant is classified as benign.

GeneDx
Classification: Benign. Last evaluated: 2016-01-05. Review status: criteria provided, single submitter. Criteria: GeneDx Variant Classification (06012015). Collection method: clinical testing. Allele origin: germline. Affected: yes.
Comment: This variant is considered likely benign or benign based on one or more of the following criteria: it is a conservative change, it occurs at a poorly conserved position in the protein, it is predicted to be benign by multiple in silico algorithms, and/or has population frequency not consistent with disease.

Eurofins Ntd Llc (ga)
Classification: Benign. Last evaluated: 2013-10-04. Review status: criteria provided, single submitter. Criteria: EGL Classification Definitions 2015. Collection method: clinical testing. Allele origin: germline. Observed: 4 variant alleles, 3 heterozygotes, 1 homozygote.

Breakthrough Genomics
Classification: Benign. Review status: criteria provided, single submitter. Criteria: ACMG Guidelines, 2015. Collection method: not provided. Allele origin: germline. Inheritance: Autosomal recessive inheritance. Affected: yes.

PreventionGenetics, part of Exact Sciences
Classification: Benign. Review status: criteria provided, single submitter. Criteria: ACMG Guidelines, 2015. Collection method: clinical testing. Allele origin: germline.

NM_001164508.2(NEB):c.16705-18C>T

Gene: NEB (nebulin; minus strand). Cytogenetic location: 2q23.3.
Variant type: single nucleotide variant.
Coding change: c.16705-18C>T on transcript NM_001164508.2 (MANE Select); 18 bases into the intron before coding-DNA position 16705, C replaced by T.
Molecular consequence: intron variant.
Genome position (GRCh38, 1-based): chr2:151,576,372, G>A on the plus strand (C>T on the coding strand, the complement: NEB is on the minus strand). VCF-style: chr2-151576372-G-A. GRCh37 (hg19) VCF-style: chr2-152432886-G-A.
Other names: c.11602-18C>T (NM_004543.5); c.16705-18C>T (NM_001164507.2, NM_001271208.2).
Identifiers: ClinVar variation 95105 (VCV000095105.17), dbSNP rs61254943, ClinGen allele CA148186.